The following is an entry in ClinVar:

NM_022168.4(IFIH1):c.2922C>G (p.His974Gln)

Gene: IFIH1 (interferon induced with helicase C domain 1; minus strand). Cytogenetic location: 2q24.2.
Variant type: single nucleotide variant.
Coding change: c.2922C>G on transcript NM_022168.4 (MANE Select); coding-DNA position 2922, C replaced by G.
Protein change: p.His974Gln; replaces histidine 974 with glutamine.
Molecular consequence: missense variant.
Genome position (GRCh38, 1-based): chr2:162,267,356, G>C on the plus strand (C>G on the coding strand, the complement: IFIH1 is on the minus strand). VCF-style: chr2-162267356-G-C. GRCh37 (hg19) VCF-style: chr2-163123866-G-C.
Other names: short protein forms H974Q.
Identifiers: ClinVar variation 2039672 (VCV002039672.4), dbSNP rs2468943110, ClinGen allele CA348989363.

ClinVar aggregate classification (germline): Uncertain significance (1 of 4 stars; one submission).

Conditions:
Aicardi-Goutieres syndrome 7 (AGS7). Identifiers: Orphanet 51, MedGen C3888244, MONDO:0014367, OMIM 615846.
Singleton-Merten syndrome 1 (SGMRT1). Also called: Widened medullary cavities of bone, aortic calcification, abnormal dentition, and muscular weakness; Syndrome of widened medullary cavities of the metacarpals and phalanges, aortic calcification and abnormal dentition. Identifiers: Orphanet 85191, MedGen C4225427, MONDO:0024535, OMIM 182250.

Submission:

Labcorp Genetics (formerly Invitae), Labcorp
Classification: Uncertain significance for Aicardi-Goutieres syndrome 7; Singleton-Merten syndrome 1. Last evaluated: 2022-07-09. Review status: criteria provided, single submitter. Criteria: Invitae Variant Classification Sherloc (09022015). Collection method: clinical testing. Allele origin: germline.
Comment: Algorithms developed to predict the effect of missense changes on protein structure and function are either unavailable or do not agree on the potential impact of this missense change (SIFT: "Tolerated"; PolyPhen-2: "Possibly Damaging"; Align-GVGD: "Class C0"). This sequence change replaces histidine, which is basic and polar, with glutamine, which is neutral and polar, at codon 974 of the IFIH1 protein (p.His974Gln). This variant is not present in population databases (gnomAD no frequency). This variant has not been reported in the literature in individuals affected with IFIH1-related conditions. In summary, the available evidence is currently insufficient to determine the role of this variant in disease. Therefore, it has been classified as a Variant of Uncertain Significance.